The following is an entry in ClinVar:

NM_001276345.2(TNNT2):c.199+1G>T

Gene: TNNT2 (troponin T2, cardiac type; minus strand). Cytogenetic location: 1q32.1.
Variant type: single nucleotide variant.
Coding change: c.199+1G>T on transcript NM_001276345.2 (MANE Select); the canonical splice donor site of the intron after coding-DNA position 199, G replaced by T.
Molecular consequence: splice donor variant.
Genome position (GRCh38, 1-based): chr1:201,367,770, C>A on the plus strand (G>T on the coding strand, the complement: TNNT2 is on the minus strand). VCF-style: chr1-201367770-C-A. GRCh37 (hg19) VCF-style: chr1-201336898-C-A.
Other names: c.169+1G>T (NM_001406727.1, NM_001406724.1, NM_001001431.3 and 3 more transcripts); c.154+1G>T (NM_001001432.3, NM_001406728.1); c.166+1G>T (NM_001406725.1); c.196+1G>T (NM_001276346.2); c.199+1G>T (NM_000364.4, NM_001406723.1).
Identifiers: ClinVar variation 3895238 (VCV003895238.1).

ClinVar aggregate classification (germline): Uncertain significance (1 of 4 stars; one submission).

Conditions:
Cardiovascular phenotype. Identifiers: MedGen CN230736.

Submission:

Molecular Diagnostic Laboratory for Inherited Cardiovascular Disease, Montreal Heart Institute
Classification: Uncertain significance for Cardiovascular phenotype. Last evaluated: 2025-04-09. Review status: criteria provided, single submitter. Criteria: ACMG Guidelines, 2015. Collection method: clinical testing. Allele origin: germline. Affected: yes.
Comment: PVS1_mod, PM2